The following is an entry in ClinVar:

ClinVar aggregate classification (germline): Uncertain significance (1 of 4 stars; one submission).

Allele frequency attached by ClinVar (database versions not stated): ExAC 0.00006.

Submission:

Labcorp Genetics (formerly Invitae), Labcorp
Classification: Uncertain significance. Last evaluated: 2023-08-23. Review status: criteria provided, single submitter. Criteria: Invitae Variant Classification Sherloc (09022015). Collection method: clinical testing. Allele origin: germline.
Comment: In summary, the available evidence is currently insufficient to determine the role of this variant in disease. Therefore, it has been classified as a Variant of Uncertain Significance. Advanced modeling of protein sequence and biophysical properties (such as structural, functional, and spatial information, amino acid conservation, physicochemical variation, residue mobility, and thermodynamic stability) performed at Invitae indicates that this missense variant is not expected to disrupt ACOX2 protein function. This variant has not been reported in the literature in individuals affected with ACOX2-related conditions. This variant is present in population databases (rs753589589, gnomAD 0.007%). This sequence change replaces valine, which is neutral and non-polar, with methionine, which is neutral and non-polar, at codon 123 of the ACOX2 protein (p.Val123Met).

NM_003500.4(ACOX2):c.367G>A (p.Val123Met)

Gene: ACOX2 (acyl-CoA oxidase 2; minus strand). Cytogenetic location: 3p14.3.
Variant type: single nucleotide variant.
Coding change: c.367G>A on transcript NM_003500.4 (MANE Select); coding-DNA position 367, G replaced by A.
Protein change: p.Val123Met; replaces valine 123 with methionine.
Molecular consequence: missense variant.
Genome position (GRCh38, 1-based): chr3:58,534,102, C>T on the plus strand (G>A on the coding strand, the complement: ACOX2 is on the minus strand). VCF-style: chr3-58534102-C-T. GRCh37 (hg19) VCF-style: chr3-58519829-C-T.
Other names: short protein forms V123M.
Identifiers: ClinVar variation 2885923 (VCV002885923.3), dbSNP rs753589589, ClinGen allele CA2472430.